The following is an entry in ClinVar:

NM_004928.3(CFAP410):c.218G>C (p.Arg73Pro)

Gene: CFAP410 (cilia and flagella associated protein 410; minus strand). Cytogenetic location: 21q22.3.
Variant type: single nucleotide variant.
Coding change: c.218G>C on transcript NM_004928.3 (MANE Select); coding-DNA position 218, G replaced by C.
Protein change: p.Arg73Pro; replaces arginine 73 with proline.
Molecular consequence: missense variant.
Genome position (GRCh38, 1-based): chr21:44,333,188, C>G on the plus strand (G>C on the coding strand, the complement: CFAP410 is on the minus strand). VCF-style: chr21-44333188-C-G. GRCh37 (hg19) VCF-style: chr21-45753071-C-G.
Other names: CFAP410, ARG73PRO (rs140451304); c.218G>C, p.Arg73Pro (NM_001271440.2, NM_001271441.2); c.95G>C, p.Arg32Pro (NM_001271442.1); short protein forms R73P, R32P.
Identifiers: ClinVar variation 428573 (VCV000428573.65), dbSNP rs140451304, ClinGen allele CA10053758.

ClinVar aggregate classification (germline): Pathogenic/Likely pathogenic. Review status: criteria provided, multiple submitters, no conflicts (2 of 4 stars). 20 submissions from 18 submitters: Pathogenic (11); Likely pathogenic (4). 5 of the submissions do not count toward it. Last evaluated 2026-08-05.

Conditions:
Retinal dystrophy with or without macular staphyloma. Identifiers: Orphanet 653709, MedGen C4479651, MONDO:0060507, OMIM 617547.
Axial spondylometaphyseal dysplasia. Also called: AXIAL SMD. Identifiers: Orphanet 168549, MedGen C1865695, MONDO:0011211, OMIM 602271.
Retinal dystrophy. Also called: Inherited retinal dystrophy. Identifiers: Orphanet 71862, MedGen C0854723, MeSH D058499, MONDO:0019118, HP:0000556.
Retinal disorder. Also called: Retinal disorders; Retinopathy; Retinopathies; Retinal Diseases. Identifiers: MedGen C0035309, MONDO:0005283, HP:0000488.
Cone dystrophy. Identifiers: Orphanet 1871, MedGen C0730290, MONDO:0000455.
C21ORF2 & CFAP410 & CFAP410-related disorders.
Fetal anomalies with a likely genetic cause.
CFAP410-related disorder. Also called: CFAP410-related condition.
Retinitis pigmentosa (RP). Identifiers: Orphanet 791, MedGen C0035334, MeSH D012174, MONDO:0019200, OMIM 268000. Inheritance: Autosomal dominant, autosomal recessive and X linked inheritance.

Allele frequency attached by ClinVar (database versions not stated): ESP Exome Variant Server 0.00015; TOPMed 0.00026.
gnomAD v4.1: 810 of 1,612,638 alleles (0.05%); highest among the groups gnomAD compares: Non-Finnish European, 0.065%; no homozygotes.

Submissions 1 to 13 of 20:

Genetics Laboratory, Great Ormond Street Hospital NHS Foundation Trust, North Thames Genomic Laboratory Hub
Classification: Pathogenic for Fetal anomalies with a likely genetic cause. Last evaluated: 2026-08-05. Review status: criteria provided, single submitter. Criteria: ACGS Best Practice Guidelines for Variant Classification in Rare Disease 2024 v1.2. Collection method: clinical testing. Allele origin: germline. Affected: yes.
Comment: PS3_supporting, PP1_strong, PM3_strong, PP4_supporting

Clinical Genetics and Genomics, Karolinska University Hospital
Classification: Pathogenic for Axial spondylometaphyseal dysplasia. Last evaluated: 2026-04-07. Review status: criteria provided, single submitter. Criteria: ACMG Guidelines, 2015. Collection method: clinical testing. Allele origin: inherited. Affected: yes.
Comment: This variant has been reported as segregating with disease in both the homozygous and compound heterozygous states in kindreds with Jeune syndrome or cone-rod dystrophy (PMID: 26167768, 28041643, 27596865, 38219857). Additionally, this variant has been reported in the homozygous state in two families with axial spondylometaphyseal dysplasia (PMID: 26974433). Functional studies suggested that p.Arg73Pro is a hypomorphic variant (PMID: 26167768). This variant is interpreted as pathogenic for autosomal recessive CFAP410-related disorders.

Labcorp Genetics (formerly Invitae), Labcorp
Classification: Pathogenic. Last evaluated: 2026-01-22. Review status: criteria provided, single submitter. Criteria: Invitae Variant Classification Sherloc (09022015). Collection method: clinical testing. Allele origin: germline.
Comment: This sequence change replaces arginine, which is basic and polar, with proline, which is neutral and non-polar, at codon 73 of the CFAP410 protein (p.Arg73Pro). This variant is present in population databases (rs140451304, gnomAD 0.07%). This missense change has been observed in individuals with Jeune asphyxiating thoracic dystrophy, cone-rod dystrophy or retinitis pigmentosa (PMID: 26167768, 27596865). It has also been observed to segregate with disease in related individuals. ClinVar contains an entry for this variant (Variation ID: 428573). Invitae Evidence Modeling of protein sequence and biophysical properties (such as structural, functional, and spatial information, amino acid conservation, physicochemical variation, residue mobility, and thermodynamic stability) indicates that this missense variant is not expected to disrupt CFAP410 protein function with a negative predictive value of 80%. Experimental studies have shown that this missense change affects CFAP410 function (PMID: 26167768). For these reasons, this variant has been classified as Pathogenic.

Genetics Laboratory, Great Ormond Street Hospital NHS Foundation Trust, North Thames Genomic Laboratory Hub
Classification: Pathogenic for Retinal disorders. Last evaluated: 2025-11-30. Review status: criteria provided, single submitter. Criteria: ACGS Best Practice Guidelines for Variant Classification in Rare Disease 2024 v1.2. Collection method: clinical testing. Allele origin: germline. Affected: yes.
Comment: the same text as in the submission from Genetics Laboratory, Great Ormond Street Hospital NHS Foundation Trust, North Thames Genomic Laboratory Hub above.

3billion
Classification: Pathogenic for Retinal dystrophy with or without macular staphyloma. Last evaluated: 2025-03-09. Review status: criteria provided, single submitter. Criteria: ACMG Guidelines, 2015. Collection method: clinical testing. Allele origin: germline. Affected: yes.

SingHealth Duke-NUS Institute of Precision Medicine
Classification: Likely pathogenic for Retinal dystrophy with or without macular staphyloma. Last evaluated: 2025-02-05. Review status: criteria provided, single submitter. Criteria: PRISM ACMG Classification Criteria. Collection method: clinical testing. Allele origin: germline. Affected: yes.
Comment: Homozygous allele count in gnomAD exomes and genomes are less than 0 (PM2). Experimental studies have shown that this missense change affects CFAP410 function PS3, PMID: 26167768). There is cosegregation with disease phenotypes in multiple families (PP1, PMID: 26167768)

Blueprint Genetics
Classification: Pathogenic for C21ORF2 & CFAP410 & CFAP410-related disorders. Last evaluated: 2024-11-01. Review status: criteria provided, single submitter. Criteria: ACMG Guidelines, 2015. Collection method: clinical testing. Allele origin: germline. Affected: yes. Observed: 5 variant alleles.

Victorian Clinical Genetics Services, Murdoch Childrens Research Institute
Classification: Pathogenic for Retinal dystrophy with or without macular staphyloma. Last evaluated: 2024-10-09. Review status: criteria provided, single submitter. Criteria: ACMG Guidelines, 2015. Collection method: clinical testing. Allele origin: germline. Inheritance: Autosomal recessive inheritance. Affected: yes.
Comment: Based on the classification scheme VCGS_Germline_v1.3.4, this variant is classified as Pathogenic. Following criteria are met: 0102 - Loss of function is a known mechanism of disease in this gene and is associated with retinal dystrophy with macular staphyloma (MIM#617547) and axial spondylometaphyseal dysplasia (MIM#602271). (I) 0106 - This gene is associated with autosomal recessive disease. (I) 0200 - Variant is predicted to result in a missense amino acid change from arginine to proline. (I) 0252 - This variant is homozygous. (I) 0304 - Variant is present in gnomAD <0.01 for a recessive condition (v2: 90 heterozygotes, 0 homozygotes). (SP) 0309 - Multiple alternative amino acid changes at the same position has been observed in gnomAD (v2) (highest allele count: 5 heterozygotes, 0 homozygotes). (I) 0502 - Missense variant with conflicting in silico predictions and low conservation. (I) 0600 - Variant is located in the annotated leucine-rich repeat domain (PMID: 26974433). (I) 0710 - Other missense variants comparable to the one identified in this case have inconclusive previous evidence for pathogenicity. The variants p.(Arg73Gly), p.(Arg73Cys), and p.(Arg73His) have each been reported as variants of uncertain significance by a clinical laboratory (ClinVar). (I) 0801 - This variant has strong previous evidence of pathogenicity in unrelated individuals. It has been reported in multiple individuals with axial spondylometaphyseal dysplaisa (PMID: 26974433) and Jeune asphyxiating thoracic dystrophy (PMIDs: 26167768, 28422394). In addition, it has been reported as pathogenic/likely pathogenic by multiple clinical laboratories (ClinVar). (SP) 1208 - Inheritance information for this variant is not currently available in this individual. (I) Legend: (SP) - Supporting pathogenic, (I) - Information, (SB) - Supporting benign

CeGaT Center for Human Genetics Tuebingen
Classification: Pathogenic. Last evaluated: 2024-04-01. Review status: criteria provided, single submitter. Criteria: CeGaT Center For Human Genetics Tuebingen Variant Classification Criteria Version 2. Collection method: clinical testing. Allele origin: germline. Affected: yes. Observed: 6 variant alleles.
Comment: CFAP410: PM3:Very Strong, PP1:Strong, PM2, PS3:Supporting, BP4

Department of Pathology and Laboratory Medicine, Sinai Health System
Classification: Pathogenic for Retinal dystrophy with or without macular staphyloma; Axial spondylometaphyseal dysplasia. Last evaluated: 2023-07-17. Review status: criteria provided, single submitter. Criteria: ACMG Guidelines, 2015. Collection method: research. Allele origin: germline.

Institute of Human Genetics, Univ. Regensburg, Univ. Regensburg
Classification: Pathogenic for Retinal dystrophy. Last evaluated: 2023-01-01. Review status: criteria provided, single submitter. Criteria: ACMG Guidelines, 2015. Collection method: clinical testing. Allele origin: germline. Affected: yes.

GeneDx
Classification: Pathogenic. Last evaluated: 2022-01-17. Review status: criteria provided, single submitter. Criteria: GeneDx Variant Classification Process June 2021. Collection method: clinical testing. Allele origin: germline. Affected: yes.
Comment: Published functional studies demonstrate a damaging effect with loss of C21orf2 protein function (Wheway et al., 2015); In silico analysis supports that this missense variant has a deleterious effect on protein structure/function; This variant is associated with the following publications: (PMID: 27596865, 26974433, 26167768, 28422394, 28041643, 29343210, 31980526, 28771251, 32036094, 32581362, 31431468)

Ocular Genomics Institute, Massachusetts Eye and Ear
Classification: Likely pathogenic for Retinal dystrophy with or without macular staphyloma. Last evaluated: 2021-04-08. Review status: criteria provided, single submitter. Criteria: ACMG Guidelines, 2015. Collection method: research. Allele origin: germline. Affected: yes.
Comment: Through a review of available evidence we were able to apply the following criteria: PM2, PS3, PP1. Based on this evidence we have classified this variant as Likely Pathogenic.